The following is an entry in ClinVar:

NM_001308093.3(GATA4):c.934C>T (p.Arg312Trp)

Gene: GATA4 (GATA binding protein 4). Cytogenetic location: 8p23.1.
Variant type: single nucleotide variant.
Coding change: c.934C>T on transcript NM_001308093.3 (MANE Select); coding-DNA position 934, C replaced by T.
Protein change: p.Arg312Trp; replaces arginine 312 with tryptophan.
Molecular consequence: missense variant.
Genome position (GRCh38, 1-based): chr8:11,755,067, C>T. VCF-style: chr8-11755067-C-T. GRCh37 (hg19) VCF-style: chr8-11612576-C-T.
Other names: c.931C>T (NM_002052.4); c.313C>T, p.Arg105Trp (NM_001308094.2, NM_001374273.1); c.187C>T, p.Arg63Trp (NM_001374274.1); c.931C>T, p.Arg311Trp (NM_002052.5); short protein forms R63W, R105W, R311W, R312W.
Identifiers: ClinVar variation 1036914 (VCV001036914.10), dbSNP rs138404762, ClinGen allele CA4630761.

ClinVar aggregate classification (germline): Uncertain significance. Review status: criteria provided, multiple submitters, no conflicts (2 of 4 stars). 3 submissions from 3 submitters: Uncertain significance (2). 1 of the submissions does not count toward it. Last evaluated 2024-11-16.

Conditions:
Atrioventricular septal defect 4 (AVSD4). Identifiers: MedGen C3280781, MONDO:0013747, OMIM 614430.
GATA4-related disorder. Also called: GATA4-related condition. Identifiers: MedGen CN860321.

Allele frequency attached by ClinVar (database versions not stated): ExAC 0.00002; ESP Exome Variant Server 0.00008.
gnomAD v4.1: 34 of 1,613,788 alleles (0.0021%); highest among the groups gnomAD compares: African/African-American, 0.0027%; no homozygotes.

Submissions (3):

Labcorp Genetics (formerly Invitae), Labcorp
Classification: Uncertain significance for Atrioventricular septal defect 4. Last evaluated: 2024-11-16. Review status: criteria provided, single submitter. Criteria: Invitae Variant Classification Sherloc (09022015). Collection method: clinical testing. Allele origin: germline.
Comment: This sequence change replaces arginine, which is basic and polar, with tryptophan, which is neutral and slightly polar, at codon 311 of the GATA4 protein (p.Arg311Trp). This variant is present in population databases (rs138404762, gnomAD 0.003%). This missense change has been observed in individual(s) with congenital heart defects (PMID: 27391137). ClinVar contains an entry for this variant (Variation ID: 1036914). Invitae Evidence Modeling of protein sequence and biophysical properties (such as structural, functional, and spatial information, amino acid conservation, physicochemical variation, residue mobility, and thermodynamic stability) has been performed for this missense variant. However, the output from this modeling did not meet the statistical confidence thresholds required to predict the impact of this variant on GATA4 protein function. Experimental studies have shown that this missense change affects GATA4 function (PMID: 27391137). In summary, the available evidence is currently insufficient to determine the role of this variant in disease. Therefore, it has been classified as a Variant of Uncertain Significance.

AiLife Diagnostics
Classification: Uncertain significance. Last evaluated: 2020-06-23. Review status: criteria provided, single submitter. Criteria: ACMG Guidelines, 2015. Collection method: clinical testing. Allele origin: germline. Affected: yes. Observed: 1 variant allele.

PreventionGenetics, part of Exact Sciences
Classification: Uncertain significance for GATA4-related condition. Last evaluated: 2024-03-21. Review status: no assertion criteria provided. Collection method: clinical testing. Allele origin: germline. Not counted in ClinVar's aggregate classification.
Comment: The GATA4 c.931C>T variant is predicted to result in the amino acid substitution p.Arg311Trp. This variant has been reported in a family with congenital heart disease and co-segregated with affected individuals (Zhang et al. 2016. PubMed ID: 27391137). Further functional analyses showed that this variant inhibited the downstream activation of the GATA4 target gene (Zhang et al. 2016. PubMed ID: 27391137). This variant is reported in 0.0039% of alleles in individuals of European (Non-Finnish) descent in gnomAD. At this time, the clinical significance of this variant is uncertain due to the absence of conclusive functional and genetic evidence.

Literature cited by the submitters: PubMed 27391137 (cited by Labcorp Genetics (formerly Invitae), Labcorp and AiLife Diagnostics).